The following is an entry in ClinVar:

NM_000234.3(LIG1):c.2653G>A (p.Glu885Lys)

Gene: LIG1 (DNA ligase 1; minus strand). Cytogenetic location: 19q13.33.
Variant type: single nucleotide variant.
Coding change: c.2653G>A on transcript NM_000234.3 (MANE Select); coding-DNA position 2653, G replaced by A.
Protein change: p.Glu885Lys; replaces glutamic acid 885 with lysine.
Molecular consequence: missense variant. On other transcripts: non-coding transcript variant (6).
Genome position (GRCh38, 1-based): chr19:48,115,896, C>T on the plus strand (G>A on the coding strand, the complement: LIG1 is on the minus strand). VCF-style: chr19-48115896-C-T. GRCh37 (hg19) VCF-style: chr19-48619153-C-T.
Other names: c.2560G>A, p.Glu854Lys (NM_001289063.2); c.2449G>A, p.Glu817Lys (NM_001289064.2); c.2650G>A, p.Glu884Lys (NM_001320970.2); c.2563G>A, p.Glu855Lys (NM_001320971.2); short protein forms E855K, E884K, E817K, E885K, E854K.
Identifiers: ClinVar variation 1523553 (VCV001523553.8), dbSNP rs778165966, ClinGen allele CA9546320.

ClinVar aggregate classification (germline): Uncertain significance (1 of 4 stars; one submission).

Allele frequency attached by ClinVar (database versions not stated): ExAC 0.00001; gnomAD 0.00001; gnomAD exomes 0.00001; TOPMed 0.00001.
gnomAD v4.1: 7 of 1,613,888 alleles (0.00043%); highest among the groups gnomAD compares: Non-Finnish European, 0.00059%; no homozygotes.

Submission:

Labcorp Genetics (formerly Invitae), Labcorp
Classification: Uncertain significance. Last evaluated: 2021-05-31. Review status: criteria provided, single submitter. Criteria: Invitae Variant Classification Sherloc (09022015). Collection method: clinical testing. Allele origin: germline.
Comment: In summary, the available evidence is currently insufficient to determine the role of this variant in disease. Therefore, it has been classified as a Variant of Uncertain Significance. Algorithms developed to predict the effect of missense changes on protein structure and function are either unavailable or do not agree on the potential impact of this missense change (SIFT: "Deleterious"; PolyPhen-2: "Probably Damaging"; Align-GVGD: "Class C15"). This variant has not been reported in the literature in individuals with LIG1-related conditions. This variant is present in population databases (rs778165966, ExAC 0.002%). This sequence change replaces glutamic acid with lysine at codon 885 of the LIG1 protein (p.Glu885Lys). The glutamic acid residue is highly conserved and there is a small physicochemical difference between glutamic acid and lysine.